The following is an entry in ClinVar:

ClinVar aggregate classification (germline): Uncertain significance (1 of 4 stars; one submission).

Conditions:
Inborn genetic diseases. Identifiers: MedGen C0950123, MeSH D030342.

Submission:

Ambry Genetics
Classification: Uncertain significance for Inborn genetic diseases. Last evaluated: 2022-08-11. Review status: criteria provided, single submitter. Criteria: Ambry Variant Classification Scheme 2023. Collection method: clinical testing. Allele origin: germline.
Comment: The p.Q514E variant (also known as c.1540C>G), located in coding exon 11 of the EPAS1 gene, results from a C to G substitution at nucleotide position 1540. The glutamine at codon 514 is replaced by glutamic acid, an amino acid with highly similar properties. This amino acid position is conserved. In addition, this alteration is predicted to be tolerated by in silico analysis. Since supporting evidence is limited at this time, the clinical significance of this alteration remains unclear.

NM_001430.5(EPAS1):c.1540C>G (p.Gln514Glu)

Gene: EPAS1 (endothelial PAS domain protein 1; plus strand). Cytogenetic location: 2p21.
Variant type: single nucleotide variant.
Coding change: c.1540C>G on transcript NM_001430.5 (MANE Select); coding-DNA position 1540, C replaced by G.
Protein change: p.Gln514Glu; replaces glutamine 514 with glutamic acid.
Molecular consequence: missense variant.
Genome position (GRCh38, 1-based): chr2:46,378,753, C>G. VCF-style: chr2-46378753-C-G. GRCh37 (hg19) VCF-style: chr2-46605892-C-G.
Other names: short protein forms Q514E.
Identifiers: ClinVar variation 1774838 (VCV001774838.2), dbSNP rs2546474676, ClinGen allele CA346704327.